The following is an entry in ClinVar:

NM_152564.5(VPS13B):c.10135C>T (p.His3379Tyr)

Gene: VPS13B (vacuolar protein sorting 13 homolog B; plus strand). Cytogenetic location: 8q22.2.
Variant type: single nucleotide variant.
Coding change: c.10135C>T on transcript NM_152564.5 (MANE Select); coding-DNA position 10135, C replaced by T.
Protein change: p.His3379Tyr; replaces histidine 3379 with tyrosine.
Molecular consequence: missense variant.
Genome position (GRCh38, 1-based): chr8:99,853,524, C>T. VCF-style: chr8-99853524-C-T. GRCh37 (hg19) VCF-style: chr8-100865752-C-T.
Other names: c.10135C>T (NM_152564.4); c.10210C>T (NM_017890.3); c.10210C>T, p.His3404Tyr (NM_017890.5); short protein forms H3379Y, H3404Y.
Identifiers: ClinVar variation 1004403 (VCV001004403.9), dbSNP rs377394274, ClinGen allele CA4824899.

ClinVar aggregate classification (germline): Uncertain significance. Review status: criteria provided, multiple submitters, no conflicts (2 of 4 stars). 5 submissions from 5 submitters: Uncertain significance (3). 2 of the submissions do not count toward it. Last evaluated 2024-07-04.

Conditions:
Inborn genetic diseases. Identifiers: MedGen C0950123, MeSH D030342.
VPS13B-related disorder. Also called: VPS13B-related condition.
Cohen syndrome (COH1). Also called: Cutis verticis gyrata, retinitis pigmentosa, and sensorineural deafness; PEPPER SYNDROME. Identifiers: Orphanet 193, MedGen C0265223, MONDO:0008999, OMIM 216550.

Allele frequency attached by ClinVar (database versions not stated): gnomAD exomes 0.00001 and 0.00002; ExAC 0.00002; gnomAD 0.00002; TOPMed 0.00002; ESP Exome Variant Server 0.00008.
gnomAD v4.1: 22 of 1,614,054 alleles (0.0014%); highest among the groups gnomAD compares: Non-Finnish European, 0.0018%; no homozygotes.

Submissions (5):

Labcorp Genetics (formerly Invitae), Labcorp
Classification: Uncertain significance for Cohen syndrome. Last evaluated: 2024-07-04. Review status: criteria provided, single submitter. Criteria: Invitae Variant Classification Sherloc (09022015). Collection method: clinical testing. Allele origin: germline.
Comment: This sequence change replaces histidine, which is basic and polar, with tyrosine, which is neutral and polar, at codon 3404 of the VPS13B protein (p.His3404Tyr). This variant is present in population databases (rs377394274, gnomAD 0.004%). This variant has not been reported in the literature in individuals affected with VPS13B-related conditions. ClinVar contains an entry for this variant (Variation ID: 1004403). Advanced modeling of protein sequence and biophysical properties (such as structural, functional, and spatial information, amino acid conservation, physicochemical variation, residue mobility, and thermodynamic stability) performed at Invitae indicates that this missense variant is not expected to disrupt VPS13B protein function with a negative predictive value of 80%. In summary, the available evidence is currently insufficient to determine the role of this variant in disease. Therefore, it has been classified as a Variant of Uncertain Significance.

Blueprint Genetics
Classification: Uncertain significance. Last evaluated: 2024-06-10. Review status: criteria provided, single submitter. Criteria: ACMG Guidelines, 2015. Collection method: clinical testing. Allele origin: germline.

Ambry Genetics
Classification: Uncertain significance for Inborn genetic diseases. Last evaluated: 2024-06-02. Review status: criteria provided, single submitter. Criteria: Ambry Variant Classification Scheme 2023. Collection method: clinical testing. Allele origin: germline.

PreventionGenetics, part of Exact Sciences
Classification: Uncertain significance for VPS13B-related condition. Last evaluated: 2024-06-28. Review status: no assertion criteria provided. Collection method: clinical testing. Allele origin: germline. Not counted in ClinVar's aggregate classification.
Comment: The VPS13B c.10135C>T variant is predicted to result in the amino acid substitution p.His3379Tyr. To our knowledge, this variant has not been reported in the literature. This variant is reported in 0.0044% of alleles in individuals of European (Non-Finnish) descent in gnomAD. At this time, the clinical significance of this variant is uncertain due to the absence of conclusive functional and genetic evidence.

Natera, Inc.
Classification: Uncertain significance for Cohen syndrome. Last evaluated: 2020-05-27. Review status: no assertion criteria provided. Collection method: clinical testing. Allele origin: germline. Not counted in ClinVar's aggregate classification.